The following is an entry in ClinVar:

NM_016013.4(NDUFAF1):c.61A>G (p.Thr21Ala)

Gene: NDUFAF1 (NADH:ubiquinone oxidoreductase complex assembly factor 1; minus strand). Cytogenetic location: 15q15.1.
Variant type: single nucleotide variant.
Coding change: c.61A>G on transcript NM_016013.4 (MANE Select); coding-DNA position 61, A replaced by G.
Protein change: p.Thr21Ala; replaces threonine 21 with alanine.
Molecular consequence: missense variant. On other transcripts: non-coding transcript variant (1).
Genome position (GRCh38, 1-based): chr15:41,396,999, T>C on the plus strand (A>G on the coding strand, the complement: NDUFAF1 is on the minus strand). VCF-style: chr15-41396999-T-C. GRCh37 (hg19) VCF-style: chr15-41689197-T-C.
Other names: c.61A>G (NM_016013.2); short protein forms T21A.
Identifiers: ClinVar variation 2415873 (VCV002415873.7), dbSNP rs148982578, ClinGen allele CA7491403.

ClinVar aggregate classification (germline): Uncertain significance. Review status: criteria provided, multiple submitters, no conflicts (2 of 4 stars). 2 submissions from 2 submitters: Uncertain significance (2). Last evaluated 2025-05-05.

gnomAD v4.1: 81 of 1,612,590 alleles (0.005%); highest among the groups gnomAD compares: Admixed American, 0.1%; no homozygotes.

Submissions (2):

Labcorp Genetics (formerly Invitae), Labcorp
Classification: Uncertain significance. Last evaluated: 2025-05-05. Review status: criteria provided, single submitter. Criteria: Invitae Variant Classification Sherloc (09022015). Collection method: clinical testing. Allele origin: germline.
Comment: This sequence change replaces threonine, which is neutral and polar, with alanine, which is neutral and non-polar, at codon 21 of the NDUFAF1 protein (p.Thr21Ala). This variant is present in population databases (rs148982578, gnomAD 0.1%), and has an allele count higher than expected for a pathogenic variant. This variant has not been reported in the literature in individuals affected with NDUFAF1-related conditions. ClinVar contains an entry for this variant (Variation ID: 2415873). Invitae Evidence Modeling of protein sequence and biophysical properties (such as structural, functional, and spatial information, amino acid conservation, physicochemical variation, residue mobility, and thermodynamic stability) indicates that this missense variant is not expected to disrupt NDUFAF1 protein function with a negative predictive value of 80%. In summary, the available evidence is currently insufficient to determine the role of this variant in disease. Therefore, it has been classified as a Variant of Uncertain Significance.

GeneDx
Classification: Uncertain significance. Last evaluated: 2024-05-20. Review status: criteria provided, single submitter. Criteria: GeneDx Variant Classification Process June 2021. Collection method: clinical testing. Allele origin: germline. Affected: yes.
Comment: In silico analysis indicates that this missense variant does not alter protein structure/function; Has not been previously published as pathogenic or benign to our knowledge